The following is an entry in ClinVar:

NM_001142864.4(PIEZO1):c.4371G>A (p.Ala1457=)

Gene: PIEZO1 (piezo type mechanosensitive ion channel component 1 (Er blood group); minus strand). Cytogenetic location: 16q24.3.
Variant type: single nucleotide variant.
Coding change: c.4371G>A on transcript NM_001142864.4 (MANE Select); coding-DNA position 4371, G replaced by A.
Protein change: p.Ala1457=; no amino-acid change (alanine 1457 retained).
Molecular consequence: synonymous variant.
Genome position (GRCh38, 1-based): chr16:88,723,293, C>T on the plus strand (G>A on the coding strand, the complement: PIEZO1 is on the minus strand). VCF-style: chr16-88723293-C-T. GRCh37 (hg19) VCF-style: chr16-88789701-C-T.
Other names: p.Ala1457=.
Identifiers: ClinVar variation 779170 (VCV000779170.29), dbSNP rs565293295, ClinGen allele CA8232168.

ClinVar aggregate classification (germline): Likely benign. Review status: criteria provided, multiple submitters, no conflicts (2 of 4 stars). 4 submissions from 4 submitters: Likely benign (4). Last evaluated 2024-12-01.

Allele frequency attached by ClinVar (database versions not stated): ExAC 0.00036; gnomAD 0.00051; TOPMed 0.00058.

Submissions (4):

CeGaT Center for Human Genetics Tuebingen
Classification: Likely benign. Last evaluated: 2024-12-01. Review status: criteria provided, single submitter. Criteria: CeGaT Center For Human Genetics Tuebingen Variant Classification Criteria Version 2. Collection method: clinical testing. Allele origin: germline. Affected: yes. Observed: 1 variant allele.
Comment: PIEZO1: BP4, BP7

Mayo Clinic Laboratories, Mayo Clinic
Classification: Likely benign. Last evaluated: 2024-09-25. Review status: criteria provided, single submitter. Criteria: ACMG Guidelines, 2015. Collection method: clinical testing. Allele origin: germline. Observed: 3 variant alleles.

ARUP Laboratories, Molecular Genetics and Genomics, ARUP Laboratories
Classification: Likely benign. Last evaluated: 2024-08-01. Review status: criteria provided, single submitter. Criteria: ARUP Molecular Germline Variant Investigation Process 2024. Collection method: clinical testing. Allele origin: germline.

Labcorp Genetics (formerly Invitae), Labcorp
Classification: Likely benign. Last evaluated: 2024-04-03. Review status: criteria provided, single submitter. Criteria: Invitae Variant Classification Sherloc (09022015). Collection method: clinical testing. Allele origin: germline.